The following is an entry in ClinVar:

NM_020975.6(RET):c.682G>A (p.Ala228Thr)

Gene: RET (ret proto-oncogene; plus strand). Cytogenetic location: 10q11.21.
Variant type: single nucleotide variant.
Coding change: c.682G>A on transcript NM_020975.6 (MANE Select); coding-DNA position 682, G replaced by A.
Protein change: p.Ala228Thr; replaces alanine 228 with threonine.
Molecular consequence: missense variant.
Genome position (GRCh38, 1-based): chr10:43,105,008, G>A. VCF-style: chr10-43105008-G-A. GRCh37 (hg19) VCF-style: chr10-43600456-G-A.
Other names: c.682G>A, p.Ala228Thr (NM_000323.2, NM_001406743.1, NM_001406744.1 and 8 more transcripts); c.-81G>A (NM_001355216.2); c.553G>A, p.Ala185Thr (NM_001406761.1, NM_001406762.1, NM_001406764.1 and 2 more transcripts); c.394G>A, p.Ala132Thr (NM_001406766.1, NM_001406767.1, NM_001406770.1); short protein forms A228T, A185T, A132T.
Identifiers: ClinVar variation 1364356 (VCV001364356.11), dbSNP rs760813493, ClinGen allele CA376544523.

ClinVar aggregate classification (germline): Conflicting classifications of pathogenicity. Review status: criteria provided, conflicting classifications (1 of 4 stars). 2 submissions from 2 submitters: Uncertain significance (1); Likely benign (1). Last evaluated 2026-08-27.

Conditions:
Hereditary cancer-predisposing syndrome. Also called: Hereditary Cancer Syndrome; Neoplastic Syndromes, Hereditary; Hereditary neoplastic syndrome; Tumor predisposition. Identifiers: Orphanet 140162, MedGen C0027672, MeSH D009386, MONDO:0015356.
Multiple endocrine neoplasia, type 2 (MEN2). Identifiers: Orphanet 653, MedGen C4048306, MONDO:0019003. Disease mechanism: gain of function.

Submissions (2):

Ambry Genetics
Classification: Likely benign for Hereditary cancer-predisposing syndrome. Last evaluated: 2026-08-27. Review status: criteria provided, single submitter. Criteria: Ambry Variant Classification Scheme 2023. Collection method: clinical testing. Allele origin: germline.

Labcorp Genetics (formerly Invitae), Labcorp
Classification: Uncertain significance for Multiple endocrine neoplasia, type 2. Last evaluated: 2021-05-03. Review status: criteria provided, single submitter. Criteria: Invitae Variant Classification Sherloc (09022015). Collection method: clinical testing. Allele origin: germline.
Comment: Algorithms developed to predict the effect of missense changes on protein structure and function (SIFT, PolyPhen-2, Align-GVGD) all suggest that this variant is likely to be tolerated, but these predictions have not been confirmed by published functional studies and their clinical significance is uncertain. In summary, the available evidence is currently insufficient to determine the role of this variant in disease. Therefore, it has been classified as a Variant of Uncertain Significance. This variant has not been reported in the literature in individuals with RET-related conditions. This variant is not present in population databases (ExAC no frequency). This sequence change replaces alanine with threonine at codon 228 of the RET protein (p.Ala228Thr). The alanine residue is weakly conserved and there is a small physicochemical difference between alanine and threonine.